The following is an entry in ClinVar:

NM_001378457.1(DMXL2):c.2651G>A (p.Arg884His)

Gene: DMXL2 (Dmx like 2; minus strand). Cytogenetic location: 15q21.2.
Variant type: single nucleotide variant.
Coding change: c.2651G>A on transcript NM_001378457.1 (MANE Select); coding-DNA position 2651, G replaced by A.
Protein change: p.Arg884His; replaces arginine 884 with histidine.
Molecular consequence: missense variant. On other transcripts: non-coding transcript variant (2).
Genome position (GRCh38, 1-based): chr15:51,507,247, C>T on the plus strand (G>A on the coding strand, the complement: DMXL2 is on the minus strand). VCF-style: chr15-51507247-C-T. GRCh37 (hg19) VCF-style: chr15-51799444-C-T.
Other names: c.2651G>A (NM_001174116.1, NM_001174116.2); c.2651G>A, p.Arg884His (NM_001174116.3, NM_001174117.3, NM_001378458.1 and 6 more transcripts); c.2411G>A, p.Arg804His (NM_001378464.1); short protein forms R884H, R804H.
Identifiers: ClinVar variation 1916454 (VCV001916454.8), dbSNP rs771086816, ClinGen allele CA7562287.
Genomic context (GRCh38, chr15:51,507,247, plus strand): 5'-TTATTATTGCTGTCCTTCTCAATTACTACTAGAAAGAACTTTTCTGAAAATGGTGGTGGG[C>T]GGTATCCTATTATTCAAAGGAAAAGGATATTTAAATTAGTATGTTTTTATGGGGTTAAAA-3'
Protein context (NP_001365386.1, residues 874-894): EIFFQPSQGY[Arg884His]PPPFSEKFFL

ClinVar aggregate classification (germline): Uncertain significance. Review status: criteria provided, multiple submitters, no conflicts (2 of 4 stars). 4 submissions from 4 submitters: Uncertain significance (4). Last evaluated 2025-12-10.

Conditions:
DMXL2-related disorder. Also called: DMXL2-related condition.

gnomAD v4.1: 22 of 1,606,796 alleles (0.0014%); highest among the groups gnomAD compares: African/African-American, 0.02%; no homozygotes.

Submissions (4):

PreventionGenetics, part of Exact Sciences
Classification: Uncertain significance for DMXL2-related condition. Last evaluated: 2025-12-10. Review status: criteria provided, single submitter. Criteria: ACMG Guidelines, 2015. Collection method: clinical testing. Allele origin: germline.
Comment: The DMXL2 c.2651G>A variant is predicted to result in the amino acid substitution p.Arg884His. To our knowledge, this variant has not been reported in the literature. This variant is reported in 0.032% of alleles in individuals of African descent in gnomAD. At this time, the clinical significance of this variant is uncertain due to the absence of conclusive functional and genetic evidence.

Labcorp Genetics (formerly Invitae), Labcorp
Classification: Uncertain significance. Last evaluated: 2025-11-10. Review status: criteria provided, single submitter. Criteria: Invitae Variant Classification Sherloc (09022015). Collection method: clinical testing. Allele origin: germline.
Comment: This sequence change replaces arginine, which is basic and polar, with histidine, which is basic and polar, at codon 884 of the DMXL2 protein (p.Arg884His). This variant is present in population databases (rs771086816, gnomAD 0.03%). This variant has not been reported in the literature in individuals affected with DMXL2-related conditions. ClinVar contains an entry for this variant (Variation ID: 1916454). An algorithm developed to predict the effect of missense changes on protein structure and function (PolyPhen-2) suggests that this variant is likely to be disruptive. In summary, the available evidence is currently insufficient to determine the role of this variant in disease. Therefore, it has been classified as a Variant of Uncertain Significance.

Revvity Omics, Revvity
Classification: Uncertain significance. Last evaluated: 2025-05-19. Review status: criteria provided, single submitter. Criteria: ACMG Guidelines, 2015. Collection method: clinical testing. Allele origin: germline.

Blueprint Genetics
Classification: Uncertain significance. Last evaluated: 2023-07-26. Review status: criteria provided, single submitter. Criteria: ACMG Guidelines, 2015. Collection method: clinical testing. Allele origin: germline.